The following is an entry in ClinVar:

ClinVar aggregate classification (germline): Uncertain significance (1 of 4 stars; one submission).

Conditions:
Dyskeratosis congenita, autosomal dominant 1 (DKCA1). Also called: Dyskeratosis congenita Scoggins type. Identifiers: Orphanet 1775, MedGen C4551974, MONDO:0007485, OMIM 127550. Inheritance: Variable.

Submission:

Labcorp Genetics (formerly Invitae), Labcorp
Classification: Uncertain significance for Dyskeratosis congenita, autosomal dominant 1. Last evaluated: 2025-07-31. Review status: criteria provided, single submitter. Criteria: Invitae Variant Classification Sherloc (09022015). Collection method: clinical testing. Allele origin: germline.
Comment: This variant occurs in the TERC gene, which encodes an RNA molecule that does not result in a protein product. This variant is not present in population databases (gnomAD no frequency). This variant has not been reported in the literature in individuals affected with TERC-related conditions. ClinVar contains an entry for this variant (Variation ID: 844738). This variant is located within the template/pseudoknot domain of the TERC RNA component, which is required for RNA or RNP stability (PMID: 15082312, 21844345). In summary, the available evidence is currently insufficient to determine the role of this variant in disease. Therefore, it has been classified as a Variant of Uncertain Significance.

Literature cited by the submitters: PubMed 15082312; PubMed 21844345.

NR_001566.3(TERC):n.80delT

Genes: TERC (telomerase RNA component; minus strand), LOC110806306 (telomerase RNA component (TERC) promoter; plus strand). Cytogenetic location: 3q26.2.
Variant type: Deletion.
Genome position: GRCh38 VCF-style: chr3-169764977-CA-C. GRCh37 (hg19) VCF-style: chr3-169482765-CA-C.
Identifiers: ClinVar variation 844738 (VCV000844738.10), dbSNP rs1777963882, ClinGen allele CA916081443.